The following is an entry in ClinVar:

NM_022829.6(SLC13A3):c.1691A>C (p.Asn564Thr)

Gene: SLC13A3 (solute carrier family 13 member 3; minus strand). Cytogenetic location: 20q13.12.
Variant type: single nucleotide variant.
Coding change: c.1691A>C on transcript NM_022829.6 (MANE Select); coding-DNA position 1691, A replaced by C.
Protein change: p.Asn564Thr; replaces asparagine 564 with threonine.
Molecular consequence: missense variant.
Genome position (GRCh38, 1-based): chr20:46,560,140, T>G on the plus strand (A>C on the coding strand, the complement: SLC13A3 is on the minus strand). VCF-style: chr20-46560140-T-G. GRCh37 (hg19) VCF-style: chr20-45188779-T-G.
Other names: c.1691A>C (NM_022829.5); c.1550A>C, p.Asn517Thr (NM_001011554.3); c.1541A>C, p.Asn514Thr (NM_001193339.2); c.1445A>C, p.Asn482Thr (NM_001193340.2); c.1397A>C, p.Asn466Thr (NM_001193342.2); short protein forms N564T, N466T, N482T, N517T, N514T.
Identifiers: ClinVar variation 1349965 (VCV001349965.9), dbSNP rs2061918633, ClinGen allele CA409257441.

ClinVar aggregate classification (germline): Uncertain significance. Review status: criteria provided, multiple submitters, no conflicts (2 of 4 stars). 2 submissions from 2 submitters: Uncertain significance (2). Last evaluated 2025-04-03.

Allele frequency attached by ClinVar (database versions not stated): gnomAD exomes below 0.00001; TOPMed below 0.00001; gnomAD 0.00001.
gnomAD v4.1: 3 of 1,613,936 alleles (0.00019%); highest among the groups gnomAD compares: African/African-American, 0.004%; no homozygotes.

Submissions (2):

Ambry Genetics
Classification: Uncertain significance. Last evaluated: 2025-04-03. Review status: criteria provided, single submitter. Criteria: Ambry Variant Classification Scheme 2023. Collection method: clinical testing. Allele origin: germline.

Labcorp Genetics (formerly Invitae), Labcorp
Classification: Uncertain significance. Last evaluated: 2021-12-02. Review status: criteria provided, single submitter. Criteria: Invitae Variant Classification Sherloc (09022015). Collection method: clinical testing. Allele origin: germline.
Comment: This variant is not present in population databases (gnomAD no frequency). This sequence change replaces asparagine, which is neutral and polar, with threonine, which is neutral and polar, at codon 564 of the SLC13A3 protein (p.Asn564Thr). This variant has not been reported in the literature in individuals affected with SLC13A3-related conditions. In summary, the available evidence is currently insufficient to determine the role of this variant in disease. Therefore, it has been classified as a Variant of Uncertain Significance. Algorithms developed to predict the effect of missense changes on protein structure and function are either unavailable or do not agree on the potential impact of this missense change (SIFT: "Tolerated"; PolyPhen-2: "Probably Damaging"; Align-GVGD: "Class C0").